The following is an entry in ClinVar:

NM_000138.5(FBN1):c.1529C>T (p.Ser510Leu)

Gene: FBN1 (fibrillin 1; minus strand). Cytogenetic location: 15q21.1.
Variant type: single nucleotide variant.
Coding change: c.1529C>T on transcript NM_000138.5 (MANE Select); coding-DNA position 1529, C replaced by T.
Protein change: p.Ser510Leu; replaces serine 510 with leucine.
Molecular consequence: missense variant.
Genome position (GRCh38, 1-based): chr15:48,513,608, G>A on the plus strand (C>T on the coding strand, the complement: FBN1 is on the minus strand). VCF-style: chr15-48513608-G-A. GRCh37 (hg19) VCF-style: chr15-48805805-G-A.
Other names: short protein forms S510L.
Identifiers: ClinVar variation 923073 (VCV000923073.16), dbSNP rs776942896, ClinGen allele CA044894.
Genomic context (GRCh38, chr15:48,513,608, plus strand): 5'-CCTCGGCATTCTGTCCGCGTGAGTGTGCTCTGATATCCAGCTCGGCACTGACAGGTGTAC[G>A]AACCCTGGTTGTTAATACACTCACCACCAGCACAGGGGTTTTTCTCACATTCATCAACAT-3'
Protein context (NP_000129.3, residues 500-520): AGGECINNQG[Ser510Leu]YTCQCRAGYQ

ClinVar aggregate classification (germline): Uncertain significance. Review status: criteria provided, multiple submitters, no conflicts (2 of 4 stars). 4 submissions from 4 submitters: Uncertain significance (4). Last evaluated 2023-12-22.

Conditions:
Familial thoracic aortic aneurysm and aortic dissection (TAAD). Also called: Thoracic aortic aneurysms and dissections. Identifiers: Orphanet 91387, MedGen C4707243, MONDO:0019625.
Marfan syndrome (MFS). Also called: Marfan syndrome, classic; Marfan syndrome type 1; Marfan's syndrome; FBN1-Related Marfan Syndrome; MARFAN SYNDROME, TYPE I. Identifiers: Orphanet 284963, Orphanet 558, MedGen C0024796, MONDO:0007947, OMIM 154700.
Weill-Marchesani syndrome 2, dominant. Also called: FBN1-Related Weill-Marchesani Syndrome; Weill-Marchesani Syndrome, Autosomal Dominant. Identifiers: Orphanet 2084, MedGen C1869115, MONDO:0012013, OMIM 608328.
Progeroid and marfanoid aspect-lipodystrophy syndrome. Also called: MARFANOID-PROGEROID SYNDROME; MARFAN-PROGEROID-LIPODYSTROPHY SYNDROME; Marfan lipodystrophy syndrome; MARFANOID-PROGEROID-LIPODYSTROPHY SYNDROME. Identifiers: Orphanet 300382, MedGen C4310796, MONDO:0014831, OMIM 616914.
Acromicric dysplasia (ACMICD). Also called: Acromicric skeletal dysplasia. Identifiers: Orphanet 969, MedGen C0265287, MONDO:0007055, OMIM 102370.
Ectopia lentis 1, isolated, autosomal dominant (ECTOL1). Identifiers: Orphanet 1885, MedGen C3541518, MONDO:0007514, OMIM 129600.
Geleophysic dysplasia 2 (GPHYSD2). Identifiers: Orphanet 2623, MedGen C3280054, MONDO:0013612, OMIM 614185.
MASS syndrome (OCTD). Also called: OVERLAP CONNECTIVE TISSUE DISEASE; MASS PHENOTYPE. Identifiers: MedGen C1858556, MONDO:0011431, OMIM 604308.
Stiff skin syndrome (SSKS). Identifiers: Orphanet 2833, MedGen C1861456, MONDO:0008492, OMIM 184900.

Allele frequency attached by ClinVar (database versions not stated): gnomAD exomes 0.00001; TOPMed 0.00003; ExAC 0.00001.
gnomAD v4.1: 7 of 1,613,962 alleles (0.00043%); highest among the groups gnomAD compares: East Asian, 0.0022%; no homozygotes.

Submissions (4):

Labcorp Genetics (formerly Invitae), Labcorp
Classification: Uncertain significance for Marfan syndrome; Familial thoracic aortic aneurysm and aortic dissection. Last evaluated: 2023-12-22. Review status: criteria provided, single submitter. Criteria: Invitae Variant Classification Sherloc (09022015). Collection method: clinical testing. Allele origin: germline.
Comment: This sequence change replaces serine, which is neutral and polar, with leucine, which is neutral and non-polar, at codon 510 of the FBN1 protein (p.Ser510Leu). This variant is present in population databases (rs776942896, gnomAD 0.005%). This variant has not been reported in the literature in individuals affected with FBN1-related conditions. ClinVar contains an entry for this variant (Variation ID: 923073). Advanced modeling of protein sequence and biophysical properties (such as structural, functional, and spatial information, amino acid conservation, physicochemical variation, residue mobility, and thermodynamic stability) performed at Invitae indicates that this missense variant is expected to disrupt FBN1 protein function with a positive predictive value of 95%. In summary, the available evidence is currently insufficient to determine the role of this variant in disease. Therefore, it has been classified as a Variant of Uncertain Significance.

Fulgent Genetics
Classification: Uncertain significance for Acromicric dysplasia; Ectopia lentis 1, isolated, autosomal dominant; Marfan syndrome; Stiff skin syndrome; MASS syndrome; Weill-Marchesani syndrome 2, dominant; Geleophysic dysplasia 2; Progeroid and marfanoid aspect-lipodystrophy syndrome. Last evaluated: 2021-08-19. Review status: criteria provided, single submitter. Criteria: ACMG Guidelines, 2015. Collection method: clinical testing. Allele origin: unknown.

Color Diagnostics, LLC DBA Color Health
Classification: Uncertain significance for Familial thoracic aortic aneurysm and aortic dissection. Last evaluated: 2020-11-04. Review status: criteria provided, single submitter. Criteria: ACMG Guidelines, 2015. Collection method: clinical testing. Allele origin: germline.
Comment: This missense variant replaces serine with leucine at codon 510 of the FBN1 protein. Computational prediction suggests that this variant may have deleterious impact on protein structure and function (internally defined REVEL score threshold >= 0.7, PMID: 27666373). To our knowledge, functional studies have not been reported for this variant. This variant has not been reported in individuals affected with cardiovascular disorders in the literature. This variant has been identified in 3/282682 chromosomes in the general population by the Genome Aggregation Database (gnomAD). The available evidence is insufficient to determine the role of this variant in disease conclusively. Therefore, this variant is classified as a Variant of Uncertain Significance.

GeneDx
Classification: Uncertain significance. Last evaluated: 2019-09-17. Review status: criteria provided, single submitter. Criteria: GeneDx Variant Classification Process June 2021. Collection method: clinical testing. Allele origin: germline. Affected: yes.
Comment: Has not been previously published as pathogenic or benign to our knowledge; Not observed at a significant frequency in large population cohorts (Lek et al., 2016); In silico analysis, which includes protein predictors and evolutionary conservation, supports a deleterious effect; Although located in a calcium-binding EGF-like domain of the FBN1 gene, it does not affect a cysteine residue within this domain; cysteine substitutions in the calcium-binding EGF-like domains represent the majority of pathogenic missense changes associated with FBN1-related disorders (Collod-Beroud et al., 2003)